The following is an entry in ClinVar:

ClinVar aggregate classification (germline): Likely benign (1 of 4 stars; one submission).

Conditions:
SMAD4-related disorder. Also called: SMAD4-related condition; SMAD4-Related disorders.

Submission:

PreventionGenetics, part of Exact Sciences
Classification: Likely benign for SMAD4-related condition. Last evaluated: 2026-01-11. Review status: criteria provided, single submitter. Criteria: ACMG Guidelines, 2015. Collection method: clinical testing. Allele origin: germline.
Comment: This variant is classified as likely benign based on ACMG/AMP sequence variant interpretation guidelines (Richards et al. 2015 PMID: 25741868, with internal and published modifications).

NM_005359.6(SMAD4):c.1332T>C (p.His444=)

Gene: SMAD4 (SMAD family member 4; plus strand). Cytogenetic location: 18q21.2.
Variant type: single nucleotide variant.
Coding change: c.1332T>C on transcript NM_005359.6 (MANE Select); coding-DNA position 1332, T replaced by C.
Protein change: p.His444=; no amino-acid change (histidine 444 retained).
Molecular consequence: synonymous variant. On other transcripts: non-coding transcript variant (1).
Genome position (GRCh38, 1-based): chr18:51,076,661, T>C. VCF-style: chr18-51076661-T-C. GRCh37 (hg19) VCF-style: chr18-48603031-T-C.
Other names: c.1332T>C, p.His444= (NM_001407041.1, NM_001407042.1).
Identifiers: ClinVar variation 4988430 (VCV004988430.1).